The following is an entry in ClinVar:

ClinVar aggregate classification (germline): Uncertain significance (1 of 4 stars; one submission).

Allele frequency attached by ClinVar (database versions not stated): gnomAD exomes below 0.00001.
gnomAD v4.1: 4 of 1,613,998 alleles (0.00025%); highest among the groups gnomAD compares: Admixed American, 0.0033%; no homozygotes.

Submission:

Labcorp Genetics (formerly Invitae), Labcorp
Classification: Uncertain significance. Last evaluated: 2024-03-04. Review status: criteria provided, single submitter. Criteria: Invitae Variant Classification Sherloc (09022015). Collection method: clinical testing. Allele origin: germline.
Comment: This sequence change replaces proline, which is neutral and non-polar, with arginine, which is basic and polar, at codon 400 of the KIAA1549 protein (p.Pro400Arg). This variant is not present in population databases (gnomAD no frequency). This variant has not been reported in the literature in individuals affected with KIAA1549-related conditions. ClinVar contains an entry for this variant (Variation ID: 1394025). An algorithm developed to predict the effect of missense changes on protein structure and function (PolyPhen-2) suggests that this variant is likely to be disruptive. In summary, the available evidence is currently insufficient to determine the role of this variant in disease. Therefore, it has been classified as a Variant of Uncertain Significance.

NM_001164665.2(KIAA1549):c.1199C>G (p.Pro400Arg)

Gene: KIAA1549 (KIAA1549; minus strand). Cytogenetic location: 7q34.
Variant type: single nucleotide variant.
Coding change: c.1199C>G on transcript NM_001164665.2 (MANE Select); coding-DNA position 1199, C replaced by G.
Protein change: p.Pro400Arg; replaces proline 400 with arginine.
Molecular consequence: missense variant.
Genome position (GRCh38, 1-based): chr7:138,918,427, G>C on the plus strand (C>G on the coding strand, the complement: KIAA1549 is on the minus strand). VCF-style: chr7-138918427-G-C. GRCh37 (hg19) VCF-style: chr7-138603173-G-C.
Other names: c.1199C>G, p.Pro400Arg (NM_020910.3); short protein forms P400R.
Identifiers: ClinVar variation 1394025 (VCV001394025.8), dbSNP rs1812421420, ClinGen allele CA369399493.
Genomic context (GRCh38, chr7:138,918,427, plus strand): 5'-CAAGTGTATGGTCTGAATGAGGACACCGGGCTCAGGATATGAGTGTTGTCCACAGGACCG[G>C]GGAGGGCTGAATTGCTATGCAATTCGGATGTTTTGCTGGAGTCGCTAGGGAGAAAGGGGT-3'
Protein context (NP_001158137.1, residues 390-410): TSELHSNSAL[Pro400Arg]GPVDNTHILS